The following is an entry in ClinVar:

NM_033305.3(VPS13A):c.2835_2837del (p.Lys946del)

Gene: VPS13A (vacuolar protein sorting 13 homolog A; plus strand). Cytogenetic location: 9q21.2.
Variant type: Deletion.
Coding change: c.2835_2837del on transcript NM_033305.3 (MANE Select); coding-DNA positions 2835 to 2837, 3 bases deleted (GAA; older notation c.2835_2837delGAA).
Protein change: p.Lys946del; deletes lysine 946.
Molecular consequence: inframe deletion.
Genome position (GRCh38, 1-based): chr9:77,280,169-77,280,171, GAA deleted; deleting any 3 consecutive bases within chr9:77,280,167-77,280,171 gives the same sequence; the c. name uses the placement nearest the transcript's 3' end. VCF-style (leftmost placement, unchanged base first): chr9-77280166-CAAG-C. GRCh37 (hg19) VCF-style: chr9-79895082-CAAG-C.
Other names: c.2835_2837del, p.Lys946del (NM_001018037.2, NM_001018038.3, NM_015186.4); short protein forms K946del.
Identifiers: ClinVar variation 1912859 (VCV001912859.4), dbSNP rs745674262, ClinGen allele CA5092071.

ClinVar aggregate classification (germline): Uncertain significance (1 of 4 stars; one submission).

Submission:

Labcorp Genetics (formerly Invitae), Labcorp
Classification: Uncertain significance. Last evaluated: 2024-12-09. Review status: criteria provided, single submitter. Criteria: Invitae Variant Classification Sherloc (09022015). Collection method: clinical testing. Allele origin: germline.
Comment: This variant, c.2835_2837del, results in the deletion of 1 amino acid(s) of the VPS13A protein (p.Lys946del), but otherwise preserves the integrity of the reading frame. This variant is present in population databases (rs745674262, gnomAD 0.02%). This variant has not been reported in the literature in individuals affected with VPS13A-related conditions. ClinVar contains an entry for this variant (Variation ID: 1912859). Experimental studies and prediction algorithms are not available or were not evaluated, and the functional significance of this variant is currently unknown. In summary, the available evidence is currently insufficient to determine the role of this variant in disease. Therefore, it has been classified as a Variant of Uncertain Significance.